The following is an entry in ClinVar:

ClinVar aggregate classification (germline): Uncertain significance (1 of 4 stars; one submission).

Submission:

Women's Health and Genetics/Laboratory Corporation of America, LabCorp
Classification: Uncertain significance. Last evaluated: 2025-02-10. Review status: criteria provided, single submitter. Criteria: LabCorp Variant Classification Summary - May 2015. Collection method: clinical testing. Allele origin: germline.
Comment: Variant summary: ASL c.1369G>C (p.Ala457Pro) results in a non-conservative amino acid change located in the L-aspartase-like domain of the encoded protein sequence. Three of five in-silico tools predict a benign effect of the variant on protein function. The variant was absent in 245926 control chromosomes. The available data on variant occurrences in the general population are insufficient to allow any conclusion about variant significance. To our knowledge, no occurrence of c.1369G>C in individuals affected with Argininosuccinic Aciduria and no experimental evidence demonstrating its impact on protein function have been reported. No submitters have cited clinical-significance assessments for this variant to ClinVar. Based on the evidence outlined above, the variant was classified as uncertain significance.

NM_000048.4(ASL):c.1369G>C (p.Ala457Pro)

Gene: ASL (argininosuccinate lyase; plus strand). Cytogenetic location: 7q11.21.
Variant type: single nucleotide variant.
Coding change: c.1369G>C on transcript NM_000048.4 (MANE Select); coding-DNA position 1369, G replaced by C.
Protein change: p.Ala457Pro; replaces alanine 457 with proline.
Molecular consequence: missense variant.
Genome position (GRCh38, 1-based): chr7:66,092,886, G>C. VCF-style: chr7-66092886-G-C. GRCh37 (hg19) VCF-style: chr7-65557873-G-C.
Other names: c.1369G>C, p.Ala457Pro (NM_001024943.2); c.1309G>C, p.Ala437Pro (NM_001024944.2); c.1291G>C, p.Ala431Pro (NM_001024946.2); short protein forms A457P, A437P, A431P.
Identifiers: ClinVar variation 3768661 (VCV003768661.1), dbSNP rs796051930.